The following is an entry in ClinVar:

ClinVar aggregate classification (germline): Uncertain significance (1 of 4 stars; one submission).

Conditions:
Autoimmune enteropathy and endocrinopathy - susceptibility to chronic infections syndrome. Also called: Immunodeficiency 31C; Immunodeficiency 31C, autosomal dominant. Identifiers: Orphanet 391487, MedGen C3279990, MONDO:0013599, OMIM 614162.
Mendelian susceptibility to mycobacterial diseases due to partial STAT1 deficiency. Also called: IMMUNODEFICIENCY 31A, MYCOBACTERIOSIS, AUTOSOMAL DOMINANT; STAT1 DEFICIENCY, AUTOSOMAL DOMINANT; Immunodeficiency 31a. Identifiers: Orphanet 319595, MedGen C4013950, MONDO:0013956, OMIM 614892.
Immunodeficiency 31B. Also called: IMMUNODEFICIENCY 31B, MYCOBACTERIAL AND VIRAL INFECTIONS, AUTOSOMAL RECESSIVE; STAT1 DEFICIENCY, AUTOSOMAL RECESSIVE. Identifiers: Orphanet 391311, MedGen C3151088, MONDO:0013427, OMIM 613796.

Allele frequency attached by ClinVar (database versions not stated): gnomAD exomes below 0.00001; TOPMed below 0.00001.
gnomAD v4.1: 6 of 1,614,034 alleles (0.00037%); highest among the groups gnomAD compares: Non-Finnish European, 0.00051%; no homozygotes.

Submission:

Labcorp Genetics (formerly Invitae), Labcorp
Classification: Uncertain significance for Mendelian susceptibility to mycobacterial diseases due to partial STAT1 deficiency; Immunodeficiency 31B; Autoimmune enteropathy and endocrinopathy - susceptibility to chronic infections syndrome. Last evaluated: 2023-12-04. Review status: criteria provided, single submitter. Criteria: Invitae Variant Classification Sherloc (09022015). Collection method: clinical testing. Allele origin: germline.
Comment: This sequence change replaces alanine, which is neutral and non-polar, with proline, which is neutral and non-polar, at codon 687 of the STAT1 protein (p.Ala687Pro). This variant also falls at the last nucleotide of exon 22, which is part of the consensus splice site for this exon. This variant is not present in population databases (gnomAD no frequency). This variant has not been reported in the literature in individuals affected with STAT1-related conditions. An algorithm developed to predict the effect of missense changes on protein structure and function (PolyPhen-2) suggests that this variant is likely to be tolerated. Variants that disrupt the consensus splice site are a relatively common cause of aberrant splicing (PMID: 17576681, 9536098). In summary, the available evidence is currently insufficient to determine the role of this variant in disease. Therefore, it has been classified as a Variant of Uncertain Significance.

Literature cited by the submitters: PubMed 17576681; PubMed 9536098.

NM_007315.4(STAT1):c.2059G>C (p.Ala687Pro)

Gene: STAT1 (signal transducer and activator of transcription 1; minus strand). Cytogenetic location: 2q32.2.
Variant type: single nucleotide variant.
Coding change: c.2059G>C on transcript NM_007315.4 (MANE Select); coding-DNA position 2059, G replaced by C.
Protein change: p.Ala687Pro; replaces alanine 687 with proline.
Molecular consequence: missense variant. On other transcripts: intron variant (1).
Genome position (GRCh38, 1-based): chr2:190,976,840, C>G on the plus strand (G>C on the coding strand, the complement: STAT1 is on the minus strand). VCF-style: chr2-190976840-C-G. GRCh37 (hg19) VCF-style: chr2-191841566-C-G.
Other names: c.1969G>C, p.Ala657Pro (NM_001384890.1); c.2095G>C, p.Ala699Pro (NM_001384891.1); c.2059G>C, p.Ala687Pro (NM_139266.3, NM_001384886.1, NM_001384889.1); c.1962+103G>C (NM_001384884.1); c.1999G>C, p.Ala667Pro (NM_001384880.1); c.2065G>C, p.Ala689Pro (NM_001384881.1); c.2053G>C, p.Ala685Pro (NM_001384882.1); c.1960G>C, p.Ala654Pro (NM_001384883.1); and 3 more; short protein forms A667P, A689P, A634P, A654P, A657P, A699P, A685P, A687P.
Identifiers: ClinVar variation 2929653 (VCV002929653.3), dbSNP rs1396458544, ClinGen allele CA349911990.
Genomic context (GRCh38, chr2:190,976,840, plus strand): 5'-AATCACCCCCTCATCAGGAAAGACTGTGCCACGCTGTTACCACCTGCTTGCCCCACTTAC[C>G]TTCCTTTGGCCTGGAGTAATACTTTCCAAAGGCATGGTCTTTGTCAATATTTGGATACAG-3'
Protein context (NP_009330.1, residues 677-697): FGKYYSRPKE[Ala687Pro]PEPMELDGPK